The following is an entry in ClinVar:

NM_024675.4(PALB2):c.1383T>G (p.Ser461Arg)

Gene: PALB2 (partner and localizer of BRCA2; minus strand). Cytogenetic location: 16p12.2.
Variant type: single nucleotide variant.
Coding change: c.1383T>G on transcript NM_024675.4 (MANE Select); coding-DNA position 1383, T replaced by G.
Protein change: p.Ser461Arg; replaces serine 461 with arginine.
Molecular consequence: missense variant.
Genome position (GRCh38, 1-based): chr16:23,635,163, A>C on the plus strand (T>G on the coding strand, the complement: PALB2 is on the minus strand). VCF-style: chr16-23635163-A-C. GRCh37 (hg19) VCF-style: chr16-23646484-A-C.
Other names: short protein forms S461R.
Identifiers: ClinVar variation 1389498 (VCV001389498.10), dbSNP rs768482110, ClinGen allele CA395131385.

ClinVar aggregate classification (germline): Conflicting classifications of pathogenicity. Review status: criteria provided, conflicting classifications (1 of 4 stars). 2 submissions from 2 submitters: Uncertain significance (1); Likely benign (1). Last evaluated 2024-09-05.

Conditions:
Hereditary cancer-predisposing syndrome. Also called: Neoplastic Syndromes, Hereditary; Tumor predisposition; Hereditary neoplastic syndrome; Hereditary Cancer Syndrome. Identifiers: Orphanet 140162, MedGen C0027672, MeSH D009386, MONDO:0015356.
Familial cancer of breast. Also called: BREAST CANCER, FAMILIAL; Hereditary breast cancer; hereditary breast carcinoma. Identifiers: Orphanet 227535, MedGen C0346153, MONDO:0016419, OMIM 114480. Disease mechanism: loss of function.

Submissions (2):

Ambry Genetics
Classification: Likely benign for Hereditary cancer-predisposing syndrome. Last evaluated: 2024-09-05. Review status: criteria provided, single submitter. Criteria: Ambry Variant Classification Scheme 2023. Collection method: clinical testing. Allele origin: germline.

Labcorp Genetics (formerly Invitae), Labcorp
Classification: Uncertain significance for Familial cancer of breast. Last evaluated: 2021-11-09. Review status: criteria provided, single submitter. Criteria: Invitae Variant Classification Sherloc (09022015). Collection method: clinical testing. Allele origin: germline.
Comment: This sequence change replaces serine, which is neutral and polar, with arginine, which is basic and polar, at codon 461 of the PALB2 protein (p.Ser461Arg). This variant is not present in population databases (gnomAD no frequency). This variant has not been reported in the literature in individuals affected with PALB2-related conditions. Algorithms developed to predict the effect of missense changes on protein structure and function output the following: SIFT: "Tolerated"; PolyPhen-2: "Benign"; Align-GVGD: "Class C0". The arginine amino acid residue is found in multiple mammalian species, which suggests that this missense change does not adversely affect protein function. In summary, the available evidence is currently insufficient to determine the role of this variant in disease. Therefore, it has been classified as a Variant of Uncertain Significance.